The following is an entry in ClinVar:

NM_198525.3(KIF7):c.2188A>C (p.Thr730Pro)

Gene: KIF7 (kinesin family member 7; minus strand). Cytogenetic location: 15q26.1.
Variant type: single nucleotide variant.
Coding change: c.2188A>C on transcript NM_198525.3 (MANE Select); coding-DNA position 2188, A replaced by C.
Protein change: p.Thr730Pro; replaces threonine 730 with proline.
Molecular consequence: missense variant.
Genome position (GRCh38, 1-based): chr15:89,645,016, T>G on the plus strand (A>C on the coding strand, the complement: KIF7 is on the minus strand). VCF-style: chr15-89645016-T-G. GRCh37 (hg19) VCF-style: chr15-90188247-T-G.
Other names: short protein forms T730P.
Identifiers: ClinVar variation 2161250 (VCV002161250.4), dbSNP rs1207873989, ClinGen allele CA393763601.

ClinVar aggregate classification (germline): Uncertain significance (1 of 4 stars; one submission).

Conditions:
Acrocallosal syndrome (ACLS). Also called: Schinzel syndrome 1; Absence of corpus callosum with unusual facial appearance, mental deficiency, duplication of the halluces and polydactyly; HALLUX DUPLICATION, POSTAXIAL POLYDACTYLY, AND ABSENCE OF CORPUS CALLOSUM. Identifiers: Orphanet 36, MedGen C0796147, MONDO:0008708, OMIM 200990.

Allele frequency attached by ClinVar (database versions not stated): TOPMed below 0.00001.
gnomAD v4.1: 2 of 1,608,084 alleles (0.00012%); highest among the groups gnomAD compares: Non-Finnish European, 0.00017%; no homozygotes.

Submission:

Labcorp Genetics (formerly Invitae), Labcorp
Classification: Uncertain significance for Acrocallosal syndrome. Last evaluated: 2021-12-15. Review status: criteria provided, single submitter. Criteria: Invitae Variant Classification Sherloc (09022015). Collection method: clinical testing. Allele origin: germline.
Comment: In summary, the available evidence is currently insufficient to determine the role of this variant in disease. Therefore, it has been classified as a Variant of Uncertain Significance. Algorithms developed to predict the effect of missense changes on protein structure and function are either unavailable or do not agree on the potential impact of this missense change (SIFT: "Deleterious"; PolyPhen-2: "Possibly Damaging"; Align-GVGD: "Class C0"). This variant has not been reported in the literature in individuals affected with KIF7-related conditions. This variant is not present in population databases (gnomAD no frequency). This sequence change replaces threonine, which is neutral and polar, with proline, which is neutral and non-polar, at codon 730 of the KIF7 protein (p.Thr730Pro).